The following is an entry in ClinVar:

NM_021098.3(CACNA1H):c.1588C>T (p.His530Tyr)

Gene: CACNA1H (calcium voltage-gated channel subunit alpha1 H; plus strand). Cytogenetic location: 16p13.3.
Variant type: single nucleotide variant.
Coding change: c.1588C>T on transcript NM_021098.3 (MANE Select); coding-DNA position 1588, C replaced by T.
Protein change: p.His530Tyr; replaces histidine 530 with tyrosine.
Molecular consequence: missense variant.
Genome position (GRCh38, 1-based): chr16:1,202,038, C>T. VCF-style: chr16-1202038-C-T. GRCh37 (hg19) VCF-style: chr16-1252038-C-T.
Other names: c.1588C>T, p.His530Tyr (NM_001005407.2); short protein forms H530Y.
Identifiers: ClinVar variation 2195134 (VCV002195134.5), dbSNP rs764332031, ClinGen allele CA394161450.

ClinVar aggregate classification (germline): Uncertain significance. Review status: criteria provided, multiple submitters, no conflicts (2 of 4 stars). 2 submissions from 2 submitters: Uncertain significance (2). Last evaluated 2024-06-08.

Conditions:
Epilepsy, childhood absence, susceptibility to, 6. Identifiers: Orphanet 64280, MedGen C2749872, MONDO:0012763, OMIM 611942.
Hyperaldosteronism, familial, type IV (HALD4). Also called: FH IV; ALDOSTERONISM, PRIMARY, AND HYPERTENSION. Identifiers: Orphanet 642671, MedGen C4310756, MONDO:0014875, OMIM 617027.
Idiopathic generalized epilepsy. Also called: EIG; Generalised epilepsy. Identifiers: MedGen C0270850, MONDO:0005579, OMIM 600669.

Allele frequency attached by ClinVar (database versions not stated): TOPMed below 0.00001.
gnomAD v4.1: 10 of 1,538,008 alleles (0.00065%); highest among the groups gnomAD compares: Non-Finnish European, 0.00087%; no homozygotes.

Submissions (2):

Fulgent Genetics
Classification: Uncertain significance for Epilepsy, childhood absence, susceptibility to, 6; Hyperaldosteronism, familial, type IV. Last evaluated: 2024-06-08. Review status: criteria provided, single submitter. Criteria: ACMG Guidelines, 2015. Collection method: clinical testing. Allele origin: germline.

Labcorp Genetics (formerly Invitae), Labcorp
Classification: Uncertain significance for Idiopathic generalized epilepsy; Hyperaldosteronism, familial, type IV. Last evaluated: 2022-11-15. Review status: criteria provided, single submitter. Criteria: Invitae Variant Classification Sherloc (09022015). Collection method: clinical testing. Allele origin: germline.
Comment: In summary, the available evidence is currently insufficient to determine the role of this variant in disease. Therefore, it has been classified as a Variant of Uncertain Significance. Advanced modeling of protein sequence and biophysical properties (such as structural, functional, and spatial information, amino acid conservation, physicochemical variation, residue mobility, and thermodynamic stability) performed at Invitae indicates that this missense variant is expected to disrupt CACNA1H protein function. This variant has not been reported in the literature in individuals affected with CACNA1H-related conditions. This variant is not present in population databases (gnomAD no frequency). This sequence change replaces histidine, which is basic and polar, with tyrosine, which is neutral and polar, at codon 530 of the CACNA1H protein (p.His530Tyr).